The following is an entry in ClinVar:

NM_001792.5(CDH2):c.99G>C (p.Lys33Asn)

Gene: CDH2 (cadherin 2; minus strand). Cytogenetic location: 18q12.1.
Variant type: single nucleotide variant.
Coding change: c.99G>C on transcript NM_001792.5 (MANE Select); coding-DNA position 99, G replaced by C.
Protein change: p.Lys33Asn; replaces lysine 33 with asparagine.
Molecular consequence: missense variant.
Genome position (GRCh38, 1-based): chr18:28,147,746, C>G on the plus strand (G>C on the coding strand, the complement: CDH2 is on the minus strand). VCF-style: chr18-28147746-C-G. GRCh37 (hg19) VCF-style: chr18-25727710-C-G.
Other names: short protein forms K33N.
Identifiers: ClinVar variation 3392949 (VCV003392949.1).

ClinVar aggregate classification (germline): Uncertain significance (1 of 4 stars; one submission).

Submission:

GeneDx
Classification: Uncertain significance. Last evaluated: 2024-06-28. Review status: criteria provided, single submitter. Criteria: GeneDx Variant Classification Process June 2021. Collection method: clinical testing. Allele origin: germline. Affected: yes.
Comment: Not observed at significant frequency in large population cohorts (gnomAD); In silico analysis indicates that this missense variant does not alter protein structure/function; Has not been previously published as pathogenic or benign to our knowledge